The following is an entry in ClinVar:

NM_001387430.1(SH2B1):c.154C>T (p.His52Tyr)

Gene: SH2B1 (SH2B adaptor protein 1; plus strand). Cytogenetic location: 16p11.2.
Variant type: single nucleotide variant.
Coding change: c.154C>T on transcript NM_001387430.1 (MANE Select); coding-DNA position 154, C replaced by T.
Protein change: p.His52Tyr; replaces histidine 52 with tyrosine.
Molecular consequence: missense variant. On other transcripts: intron variant (1).
Genome position (GRCh38, 1-based): chr16:28,866,248, C>T. VCF-style: chr16-28866248-C-T. GRCh37 (hg19) VCF-style: chr16-28877569-C-T.
Other names: c.154C>T, p.His52Tyr (NM_001145795.2, NM_001145796.2, NM_001145797.2 and 4 more transcripts); c.-26-1126C>T (NM_001308294.2); short protein forms H52Y.
Identifiers: ClinVar variation 2634393 (VCV002634393.2), dbSNP rs368808399, ClinGen allele CA7985862.

ClinVar aggregate classification (germline): Uncertain significance. Review status: criteria provided, multiple submitters, no conflicts (2 of 4 stars). 2 submissions from 2 submitters: Uncertain significance (2). Last evaluated 2025-01-19.

Conditions:
SH2B1-related disorder. Also called: SH2B1-related condition.

Allele frequency attached by ClinVar (database versions not stated): gnomAD exomes below 0.00001; ExAC 0.00002; gnomAD 0.00003; TOPMed 0.00003; ESP Exome Variant Server 0.00008.
gnomAD v4.1: 10 of 1,611,096 alleles (0.00062%); highest among the groups gnomAD compares: African/African-American, 0.008%; no homozygotes.

Submissions (2):

Ambry Genetics
Classification: Uncertain significance. Last evaluated: 2025-01-19. Review status: criteria provided, single submitter. Criteria: Ambry Variant Classification Scheme 2023. Collection method: clinical testing. Allele origin: germline.

PreventionGenetics, part of Exact Sciences
Classification: Uncertain significance for SH2B1-related condition. Last evaluated: 2023-02-09. Review status: criteria provided, single submitter. Criteria: ACMG Guidelines, 2015. Collection method: clinical testing. Allele origin: germline.
Comment: The SH2B1 c.154C>T variant is predicted to result in the amino acid substitution p.His52Tyr. To our knowledge, this variant has not been reported in the literature. This variant is reported in 0.020% of alleles in individuals of African descent in gnomAD. At this time, the clinical significance of this variant is uncertain due to the absence of conclusive functional and genetic evidence.